The following is an entry in ClinVar:

ClinVar aggregate classification (germline): Conflicting classifications of pathogenicity. Review status: criteria provided, conflicting classifications (1 of 4 stars). 4 submissions from 4 submitters: Uncertain significance (3); Likely benign (1). Last evaluated 2025-11-10.

Conditions:
Cardiovascular phenotype. Identifiers: MedGen CN230736.
Cardiomyopathy (CMYO). Also called: Cardiomyopathies. Identifiers: Orphanet 167848, MedGen C0878544, MONDO:0004994, HP:0001638. Inheritance: Various modes of inheritance.
Arrhythmogenic cardiomyopathy with wooly hair and keratoderma. Also called: PALMOPLANTAR KERATODERMA WITH LEFT VENTRICULAR CARDIOMYOPATHY AND WOOLLY HAIR; Carvajal syndrome; Dilated cardiomyopathy with woolly hair and keratoderma; Arrhythmogenic cardiomyopathy with woolly hair and keratoderma. Identifiers: Orphanet 65282, MedGen C1854063, MONDO:0011581, OMIM 605676.
Arrhythmogenic right ventricular dysplasia 8 (ARVD8). Also called: ARRHYTHMOGENIC RIGHT VENTRICULAR DYSPLASIA, FAMILIAL, 8; Arrhythmogenic Right Ventricular Dysplasia/Cardiomyopathy 8; ARRHYTHMOGENIC RIGHT VENTRICULAR CARDIOMYOPATHY 8. Identifiers: MedGen C1843896, MONDO:0011831, OMIM 607450.

Allele frequency attached by ClinVar (database versions not stated): gnomAD exomes below 0.00001 and 0.00002; ExAC 0.00001; TOPMed 0.00001.

Submissions (4):

Ambry Genetics
Classification: Uncertain significance for Cardiovascular phenotype. Last evaluated: 2025-11-10. Review status: criteria provided, single submitter. Criteria: Ambry Variant Classification Scheme 2023. Collection method: clinical testing. Allele origin: germline.
Comment: The p.I777V variant (also known as c.2329A>G), located in coding exon 17 of the DSP gene, results from an A to G substitution at nucleotide position 2329. The isoleucine at codon 777 is replaced by valine, an amino acid with highly similar properties. This amino acid position is conserved. In addition, this alteration is predicted to be tolerated by in silico analysis. Based on the available evidence, the clinical significance of this variant remains unclear.

Color Diagnostics, LLC DBA Color Health
Classification: Uncertain significance for Cardiomyopathy. Last evaluated: 2024-03-06. Review status: criteria provided, single submitter. Criteria: ACMG Guidelines, 2015. Collection method: clinical testing. Allele origin: germline.
Comment: This variant is located in the DSP protein. Computational prediction suggests that this variant may not impact protein structure and function (internally defined REVEL score threshold <= 0.5, PMID: 27666373). To our knowledge, functional studies have not been reported for this variant. This variant has not been reported in individuals affected with cardiovascular disorders in the literature. This variant has been identified in 4/251348 chromosomes in the general population by the Genome Aggregation Database (gnomAD). The available evidence is insufficient to determine the role of this variant in disease conclusively. Therefore, this variant is classified as a Variant of Uncertain Significance.

All of Us Research Program, National Institutes of Health
Classification: Uncertain significance for Arrhythmogenic cardiomyopathy with wooly hair and keratoderma. Last evaluated: 2023-09-17. Review status: criteria provided, single submitter. Criteria: ACMG Guidelines, 2015. Collection method: clinical testing. Allele origin: germline. Inheritance: Autosomal dominant inheritance. Observed: 1 variant allele, 1 heterozygote.
Comment: This variant is located in the DSP protein. Computational prediction suggests that this variant may not impact protein structure and function (internally defined REVEL score threshold <= 0.5, PMID: 27666373). To our knowledge, functional studies have not been reported for this variant. This variant has not been reported in individuals affected with cardiovascular disorders in the literature. This variant has been identified in 4/251348 chromosomes in the general population by the Genome Aggregation Database (gnomAD). The available evidence is insufficient to determine the role of this variant in disease conclusively. Therefore, this variant is classified as a Variant of Uncertain Significance.

This study involves interpretation of variants in research participants for the purpose of population health screening. Participant phenotype was not available at the time of variant classification. Additional details can be found in publication PMID: 35346344, PMCID: PMC8962531

Labcorp Genetics (formerly Invitae), Labcorp
Classification: Likely benign for Arrhythmogenic cardiomyopathy with wooly hair and keratoderma; Arrhythmogenic right ventricular dysplasia 8. Last evaluated: 2022-12-06. Review status: criteria provided, single submitter. Criteria: Invitae Variant Classification Sherloc (09022015). Collection method: clinical testing. Allele origin: germline.

NM_004415.4(DSP):c.2329A>G (p.Ile777Val)

Gene: DSP (desmoplakin; plus strand). Cytogenetic location: 6p24.3.
Variant type: single nucleotide variant.
Coding change: c.2329A>G on transcript NM_004415.4 (MANE Select); coding-DNA position 2329, A replaced by G.
Protein change: p.Ile777Val; replaces isoleucine 777 with valine.
Molecular consequence: missense variant.
Genome position (GRCh38, 1-based): chr6:7,574,688, A>G. VCF-style: chr6-7574688-A-G. GRCh37 (hg19) VCF-style: chr6-7574921-A-G.
Other names: c.2329A>G, p.Ile777Val (NM_001008844.3, NM_001319034.2); short protein forms I777V.
Identifiers: ClinVar variation 927634 (VCV000927634.18), dbSNP rs755860619, ClinGen allele CA032882.